The following is an entry in ClinVar:

ClinVar aggregate classification (germline): Benign/Likely benign. Review status: criteria provided, multiple submitters, no conflicts (2 of 4 stars). 4 submissions from 4 submitters: Benign (1); Likely benign (2). 1 of the submissions does not count toward it. Last evaluated 2024-04-12.

Conditions:
ZNF462-related disorder. Also called: ZNF462-related condition; ZNF462 related disease.

Allele frequency attached by ClinVar (database versions not stated): gnomAD 0.00314 and 0.00331; TOPMed 0.00345; ESP Exome Variant Server 0.00408; 1000 Genomes Project 0.00459; 1000 Genomes Project 30x 0.00515.
gnomAD v4.1: 864 of 1,614,136 alleles (0.054%); highest among the groups gnomAD compares: African/African-American, 1.1%; 1 homozygote.

Submissions (4):

Blueprint Genetics
Classification: Likely benign. Last evaluated: 2024-04-12. Review status: criteria provided, single submitter. Criteria: ACMG Guidelines, 2015. Collection method: clinical testing. Allele origin: germline.

CeGaT Center for Human Genetics Tuebingen
Classification: Likely benign. Last evaluated: 2023-03-01. Review status: criteria provided, single submitter. Criteria: CeGaT Center For Human Genetics Tuebingen Variant Classification Criteria Version 2. Collection method: clinical testing. Allele origin: germline. Affected: yes. Observed: 1 variant allele.
Comment: ZNF462: BP4, BS1

Labcorp Genetics (formerly Invitae), Labcorp
Classification: Benign. Last evaluated: 2018-05-08. Review status: criteria provided, single submitter. Criteria: Invitae Variant Classification Sherloc (09022015). Collection method: clinical testing. Allele origin: germline.

PreventionGenetics, part of Exact Sciences
Classification: Benign for ZNF462-related condition. Last evaluated: 2019-07-10. Review status: no assertion criteria provided. Collection method: clinical testing. Allele origin: germline. Not counted in ClinVar's aggregate classification.
Comment: This variant is classified as benign based on ACMG/AMP sequence variant interpretation guidelines (Richards et al. 2015 PMID: 25741868, with internal and published modifications).

NM_021224.6(ZNF462):c.441C>A (p.Ser147=)

Gene: ZNF462 (zinc finger protein 462; plus strand). Cytogenetic location: 9q31.2.
Variant type: single nucleotide variant.
Coding change: c.441C>A on transcript NM_021224.6 (MANE Select); coding-DNA position 441, C replaced by A.
Protein change: p.Ser147=; no amino-acid change (serine 147 retained).
Molecular consequence: synonymous variant.
Genome position (GRCh38, 1-based): chr9:106,924,353, C>A. VCF-style: chr9-106924353-C-A. GRCh37 (hg19) VCF-style: chr9-109686634-C-A.
Other names: c.441C>A (NM_021224.5); c.441C>A, p.Ser147= (NM_001347997.2).
Identifiers: ClinVar variation 786914 (VCV000786914.29), dbSNP rs140067056, ClinGen allele CA5171154.